The following is an entry in ClinVar:

NM_144997.7(FLCN):c.871+44G>T

Gene: FLCN (folliculin; minus strand). Cytogenetic location: 17p11.2.
Variant type: single nucleotide variant.
Coding change: c.871+44G>T on transcript NM_144997.7 (MANE Select); 44 bases into the intron after coding-DNA position 871, G replaced by T.
Molecular consequence: intron variant. On other transcripts: synonymous variant (1).
Genome position (GRCh38, 1-based): chr17:17,221,493, C>A on the plus strand (G>T on the coding strand, the complement: FLCN is on the minus strand). VCF-style: chr17-17221493-C-A. GRCh37 (hg19) VCF-style: chr17-17124807-C-A.
Other names: c.915G>T (NM_144606.5); c.915G>T, p.Pro305= (NM_144606.7); c.871+44G>T (NM_001353231.2, NM_001353230.2); c.925+44G>T (NM_001353229.2).
Identifiers: ClinVar variation 1697667 (VCV001697667.8), dbSNP rs757688846, ClinGen allele CA8416256.
Genomic context (GRCh38, chr17:17,221,493, plus strand): 5'-AGCCGCGTTTCCCTCCCTCAGCGATTCCTGCCAGGAGAGCAGACAGCTGGTACCGCCCCA[C>A]GGCCATCCGGGCCAAGGCCCCGGCAACAGCACCCCTGCCTCACCAGCGAGCTTCTCCATC-3'

ClinVar aggregate classification (germline): Likely benign. Review status: criteria provided, multiple submitters, no conflicts (2 of 4 stars). 2 submissions from 2 submitters: Likely benign (2). Last evaluated 2025-06-12.

Conditions:
FLCN-related disorder. Also called: FLCN-related condition.

gnomAD v4.1: 26 of 1,613,942 alleles (0.0016%); highest among the groups gnomAD compares: Non-Finnish European, 0.0022%; no homozygotes.

Submissions (2):

PreventionGenetics, part of Exact Sciences
Classification: Likely benign for FLCN-related condition. Last evaluated: 2025-06-12. Review status: criteria provided, single submitter. Criteria: ACMG Guidelines, 2015. Collection method: clinical testing. Allele origin: germline.
Comment: This variant is classified as likely benign based on ACMG/AMP sequence variant interpretation guidelines (Richards et al. 2015 PMID: 25741868, with internal and published modifications).

Center for Genomic Medicine, Rigshospitalet, Copenhagen University Hospital
Classification: Likely benign. Last evaluated: 2025-03-04. Review status: criteria provided, single submitter. Criteria: ACMG Guidelines, 2015. Collection method: clinical testing. Allele origin: germline.